The following is an entry in ClinVar:

ClinVar aggregate classification (germline): Uncertain significance (1 of 4 stars; one submission).

Submission:

Ambry Genetics
Classification: Uncertain significance. Last evaluated: 2024-11-10. Review status: criteria provided, single submitter. Criteria: Ambry Variant Classification Scheme 2023. Collection method: clinical testing. Allele origin: germline.
Comment: The p.P28S variant (also known as c.82C>T), located in coding exon 1 of the PALLD gene, results from a C to T substitution at nucleotide position 82. The proline at codon 28 is replaced by serine, an amino acid with similar properties. This amino acid position is conserved. In addition, the in silico prediction for this alteration is inconclusive. Based on the available evidence, the clinical significance of this variant remains unclear.

NM_001166108.2(PALLD):c.82C>T (p.Pro28Ser)

Gene: PALLD (palladin, cytoskeletal associated protein; plus strand). Cytogenetic location: 4q32.3.
Variant type: single nucleotide variant.
Coding change: c.82C>T on transcript NM_001166108.2 (MANE Select); coding-DNA position 82, C replaced by T.
Protein change: p.Pro28Ser; replaces proline 28 with serine.
Molecular consequence: missense variant.
Genome position (GRCh38, 1-based): chr4:168,511,586, C>T. VCF-style: chr4-168511586-C-T. GRCh37 (hg19) VCF-style: chr4-169432737-C-T.
Other names: c.82C>T, p.Pro28Ser (NM_016081.4); short protein forms P28S.
Identifiers: ClinVar variation 3413560 (VCV003413560.1).
Genomic context (GRCh38, chr4:168,511,586, plus strand): 5'-GAGTCCTTCTATGACTCCCTCTCAGACATGCAGGAAGAAAGCAAGAATACTGACTTCTTC[C>T]CGGGCCTTTCTGCTTTCCTCAGCCAGGAAGAGATAAACAAGAGTCTTGACCTGGCCCGGA-3'
Protein context (NP_001159580.1, residues 18-38): QEESKNTDFF[Pro28Ser]GLSAFLSQEE